The following is an entry in ClinVar:

ClinVar aggregate classification (germline): Uncertain significance (1 of 4 stars; one submission).

Submission:

Labcorp Genetics (formerly Invitae), Labcorp
Classification: Uncertain significance. Last evaluated: 2025-04-28. Review status: criteria provided, single submitter. Criteria: Invitae Variant Classification Sherloc (09022015). Collection method: clinical testing. Allele origin: germline.
Comment: This sequence change replaces arginine, which is basic and polar, with serine, which is neutral and polar, at codon 233 of the PSMA3 protein (p.Arg233Ser). This variant is not present in population databases (gnomAD no frequency). This variant has not been reported in the literature in individuals affected with PSMA3-related conditions. An algorithm developed to predict the effect of missense changes on protein structure and function (PolyPhen-2) suggests that this variant is likely to be tolerated. In summary, the available evidence is currently insufficient to determine the role of this variant in disease. Therefore, it has been classified as a Variant of Uncertain Significance.

NM_002788.4(PSMA3):c.699A>T (p.Arg233Ser)

Genes: PSMA3 (proteasome 20S subunit alpha 3; plus strand), PSMA3-AS1 (PSMA3 antisense RNA 1; minus strand). Cytogenetic location: 14q23.1.
Variant type: single nucleotide variant.
Coding change: c.699A>T on transcript NM_002788.4 (MANE Select); coding-DNA position 699, A replaced by T.
Protein change: p.Arg233Ser; replaces arginine 233 with serine.
Molecular consequence: missense variant. On other transcripts: non-coding transcript variant (1).
Genome position (GRCh38, 1-based): chr14:58,270,974, A>T. VCF-style: chr14-58270974-A-T. GRCh37 (hg19) VCF-style: chr14-58737692-A-T.
Other names: c.678A>T, p.Arg226Ser (NM_152132.3); short protein forms R233S, R226S.
Identifiers: ClinVar variation 4718545 (VCV004718545.1).
Genomic context (GRCh38, chr14:58,270,974, plus strand): 5'-ACATGTGGCTTAATTTACAGTAACTAATGGAAGACATGAAATTGTTCCAAAAGATATAAG[A>T]GAAGAAGCAGAGAAATATGCTAAGGTAAGCCACAGCACAAAAACTTCTCTTGGCCAGGTA-3'
Protein context (NP_002779.1, residues 223-243): GRHEIVPKDI[Arg233Ser]EEAEKYAKES